The following is an entry in ClinVar:

NM_007129.5(ZIC2):c.1042_1048del (p.Glu348fs)

Gene: ZIC2 (Zic family member 2; plus strand). Cytogenetic location: 13q32.3.
Variant type: Deletion.
Coding change: c.1042_1048del on transcript NM_007129.5 (MANE Select); coding-DNA positions 1042 to 1048, 7 bases deleted (GAGAACC; older notation c.1042_1048delGAGAACC).
Protein change: p.Glu348fs; shifts the reading frame from glutamic acid 348.
Molecular consequence: frameshift variant.
Genome position (GRCh38, 1-based): chr13:99,983,106-99,983,112, GAGAACC deleted; deleting any 7 consecutive bases within chr13:99,983,104-99,983,112 gives the same sequence; the c. name uses the placement nearest the transcript's 3' end. VCF-style (leftmost placement, unchanged base first): chr13-99983103-TCCGAGAA-T. GRCh37 (hg19) VCF-style: chr13-100635357-TCCGAGAA-T.
Other names: 7 bp del 348; short protein forms E348fs.
Identifiers: ClinVar variation 6640 (VCV000006640.3), dbSNP rs397515365, ClinGen allele CA340603.

ClinVar aggregate classification (germline): Pathogenic. Review status: no assertion criteria provided (0 of 4 stars). 2 submissions from 2 submitters: Pathogenic (2). Last evaluated 2013-08-29.

Conditions:
Holoprosencephaly 5 (HPE5). Identifiers: Orphanet 2162, MedGen C1864827, MONDO:0012322, OMIM 609637.

Submissions (2):

GeneReviews
Classification: Pathogenic for Holoprosencephaly. Last evaluated: 2013-08-29. Review status: no assertion criteria provided. Collection method: curation. Allele origin: unknown.
ClinVar note: Converted during submission from pathologic to Pathogenic.

OMIM
Classification: Pathogenic for HOLOPROSENCEPHALY 5. Last evaluated: 1998-10-01. Review status: no assertion criteria provided. Collection method: literature only. Allele origin: germline.

Literature cited by the submitters: PubMed 9771712 (cited by OMIM).